The following is an entry in ClinVar:

NM_004281.4(BAG3):c.557C>G (p.Ala186Gly)

Gene: BAG3 (BAG cochaperone 3; plus strand). Cytogenetic location: 10q26.11.
Variant type: single nucleotide variant.
Coding change: c.557C>G on transcript NM_004281.4 (MANE Select); coding-DNA position 557, C replaced by G.
Protein change: p.Ala186Gly; replaces alanine 186 with glycine.
Molecular consequence: missense variant.
Genome position (GRCh38, 1-based): chr10:119,672,304, C>G. VCF-style: chr10-119672304-C-G. GRCh37 (hg19) VCF-style: chr10-121431816-C-G.
Other names: short protein forms A186G.
Identifiers: ClinVar variation 4783504 (VCV004783504.1).

ClinVar aggregate classification (germline): Uncertain significance (1 of 4 stars; one submission).

Conditions:
Dilated cardiomyopathy 1HH (CMD1HH). Identifiers: Orphanet 154, MedGen C3151293, MONDO:0013479, OMIM 613881.
Myofibrillar myopathy 6. Identifiers: Orphanet 199340, MedGen C2751831, MONDO:0013061, OMIM 612954.

Submission:

Labcorp Genetics (formerly Invitae), Labcorp
Classification: Uncertain significance for Dilated cardiomyopathy 1HH; Myofibrillar myopathy 6. Last evaluated: 2025-06-18. Review status: criteria provided, single submitter. Criteria: Invitae Variant Classification Sherloc (09022015). Collection method: clinical testing. Allele origin: germline.
Comment: This sequence change replaces alanine, which is neutral and non-polar, with glycine, which is neutral and non-polar, at codon 186 of the BAG3 protein (p.Ala186Gly). This variant is not present in population databases (gnomAD no frequency). This variant has not been reported in the literature in individuals affected with BAG3-related conditions. Invitae Evidence Modeling of protein sequence and biophysical properties (such as structural, functional, and spatial information, amino acid conservation, physicochemical variation, residue mobility, and thermodynamic stability) indicates that this missense variant is not expected to disrupt BAG3 protein function with a negative predictive value of 80%. In summary, the available evidence is currently insufficient to determine the role of this variant in disease. Therefore, it has been classified as a Variant of Uncertain Significance.